The following is an entry in ClinVar:

NM_020771.4(HACE1):c.1283C>A (p.Pro428Gln)

Gene: HACE1 (HECT domain and ankyrin repeat containing E3 ubiquitin protein ligase 1; minus strand). Cytogenetic location: 6q16.3.
Variant type: single nucleotide variant.
Coding change: c.1283C>A on transcript NM_020771.4 (MANE Select); coding-DNA position 1283, C replaced by A.
Protein change: p.Pro428Gln; replaces proline 428 with glutamine.
Molecular consequence: missense variant. On other transcripts: non-coding transcript variant (7).
Genome position (GRCh38, 1-based): chr6:104,785,111, G>T on the plus strand (C>A on the coding strand, the complement: HACE1 is on the minus strand). VCF-style: chr6-104785111-G-T. GRCh37 (hg19) VCF-style: chr6-105232986-G-T.
Other names: c.1151C>A, p.Pro384Gln (NM_001321080.2); c.1181C>A, p.Pro394Gln (NM_001321083.2); c.779C>A, p.Pro260Gln (NM_001321084.2, NM_001350557.2, NM_001350558.2); c.1049C>A, p.Pro350Gln (NM_001350554.2); c.992C>A, p.Pro331Gln (NM_001350555.2); c.797C>A, p.Pro266Gln (NM_001350556.2); c.701C>A, p.Pro234Gln (NM_001350559.2); c.500C>A, p.Pro167Gln (NM_001350560.2); short protein forms P234Q, P260Q, P266Q, P384Q, P394Q, P428Q, P167Q, P331Q.
Identifiers: ClinVar variation 2130379 (VCV002130379.4), dbSNP rs2483258795, ClinGen allele CA365136357.

ClinVar aggregate classification (germline): Uncertain significance (1 of 4 stars; one submission).

Submission:

Labcorp Genetics (formerly Invitae), Labcorp
Classification: Uncertain significance. Last evaluated: 2022-04-24. Review status: criteria provided, single submitter. Criteria: Invitae Variant Classification Sherloc (09022015). Collection method: clinical testing. Allele origin: germline.
Comment: In summary, the available evidence is currently insufficient to determine the role of this variant in disease. Therefore, it has been classified as a Variant of Uncertain Significance. Algorithms developed to predict the effect of missense changes on protein structure and function are either unavailable or do not agree on the potential impact of this missense change (SIFT: "Deleterious"; PolyPhen-2: "Benign"; Align-GVGD: "Class C0"). This variant has not been reported in the literature in individuals affected with HACE1-related conditions. This variant is not present in population databases (gnomAD no frequency). This sequence change replaces proline, which is neutral and non-polar, with glutamine, which is neutral and polar, at codon 428 of the HACE1 protein (p.Pro428Gln).